The following is an entry in ClinVar:

NM_025207.5(FLAD1):c.1430G>A (p.Arg477Gln)

Gene: FLAD1 (flavin adenine dinucleotide synthetase 1; plus strand). Cytogenetic location: 1q21.3.
Variant type: single nucleotide variant.
Coding change: c.1430G>A on transcript NM_025207.5 (MANE Select); coding-DNA position 1430, G replaced by A.
Protein change: p.Arg477Gln; replaces arginine 477 with glutamine.
Molecular consequence: missense variant.
Genome position (GRCh38, 1-based): chr1:154,990,404, G>A. VCF-style: chr1-154990404-G-A. GRCh37 (hg19) VCF-style: chr1-154962880-G-A.
Other names: c.1139G>A, p.Arg380Gln (NM_001184891.2, NM_201398.3); short protein forms R380Q, R477Q.
Identifiers: ClinVar variation 1919001 (VCV001919001.6), dbSNP rs780183591, ClinGen allele CA1134568.
Genomic context (GRCh38, chr1:154,990,404, plus strand): 5'-ATCTGCAGATGTTGGAAGCTGAGGGCAGCATGAAGCAGGCCCTGGGTGAACTGCAGGCAC[G>A]GCACCCCCAGCTGGAGGCTGTCCTTATGGGCACCCGCCGGACTGACCCCTACTCCTGTAG-3'
Protein context (NP_079483.3, residues 467-487): MKQALGELQA[Arg477Gln]HPQLEAVLMG

ClinVar aggregate classification (germline): Conflicting classifications of pathogenicity. Review status: criteria provided, conflicting classifications (1 of 4 stars). 2 submissions from 2 submitters: Uncertain significance (1); Likely benign (1). Last evaluated 2025-11-10.

Allele frequency attached by ClinVar (database versions not stated): TOPMed 0.00003; gnomAD exomes 0.00004; gnomAD 0.00005; ExAC 0.00006.
gnomAD v4.1: 68 of 1,613,980 alleles (0.0042%); highest among the groups gnomAD compares: African/African-American, 0.004%; no homozygotes.

Submissions (2):

Labcorp Genetics (formerly Invitae), Labcorp
Classification: Uncertain significance. Last evaluated: 2025-11-10. Review status: criteria provided, single submitter. Criteria: Invitae Variant Classification Sherloc (09022015). Collection method: clinical testing. Allele origin: germline.
Comment: This sequence change replaces arginine, which is basic and polar, with glutamine, which is neutral and polar, at codon 477 of the FLAD1 protein (p.Arg477Gln). This variant is present in population databases (rs780183591, gnomAD 0.05%). This variant has not been reported in the literature in individuals affected with FLAD1-related conditions. ClinVar contains an entry for this variant (Variation ID: 1919001). An algorithm developed to predict the effect of missense changes on protein structure and function outputs the following: PolyPhen-2: "Benign". The glutamine amino acid residue is found in multiple mammalian species, which suggests that this missense change does not adversely affect protein function. In summary, the available evidence is currently insufficient to determine the role of this variant in disease. Therefore, it has been classified as a Variant of Uncertain Significance.

Blueprint Genetics
Classification: Likely benign. Last evaluated: 2023-11-06. Review status: criteria provided, single submitter. Criteria: ACMG Guidelines, 2015. Collection method: clinical testing. Allele origin: germline.